The following is an entry in ClinVar:

NM_021008.4(DEAF1):c.80C>T (p.Ala27Val)

Gene: DEAF1 (DEAF1 transcription factor; minus strand). Cytogenetic location: 11p15.5.
Variant type: single nucleotide variant.
Coding change: c.80C>T on transcript NM_021008.4 (MANE Select); coding-DNA position 80, C replaced by T.
Protein change: p.Ala27Val; replaces alanine 27 with valine.
Molecular consequence: missense variant. On other transcripts: intron variant (1).
Genome position (GRCh38, 1-based): chr11:694,968, G>A on the plus strand (C>T on the coding strand, the complement: DEAF1 is on the minus strand). VCF-style: chr11-694968-G-A. GRCh37 (hg19) VCF-style: chr11-694968-G-A.
Other names: c.80C>T, p.Ala27Val (NM_001293634.2); c.-437-3370C>T (NM_001367390.1); short protein forms A27V.
Identifiers: ClinVar variation 1467437 (VCV001467437.8), dbSNP rs1400909690, ClinGen allele CA378940273.
Genomic context (GRCh38, chr11:694,968, plus strand): 5'-TCCTCGTCCCTGCTCAGCACCGGCTCCTCCGCCTCGCCTCCTGCCGCGGCCGCGGCCGCC[G>A]CCGCCACAGCGGCCGCGGCCGCCACCGCCGCCGCCTCAGCCAGGCCCAGCTGCTTTGCCG-3'
Protein context (NP_066288.2, residues 17-37): AAVAAAAAVA[Ala27Val]AAAAAAGGEA

ClinVar aggregate classification (germline): Uncertain significance. Review status: criteria provided, multiple submitters, no conflicts (2 of 4 stars). 3 submissions from 3 submitters: Uncertain significance (3). Last evaluated 2025-06-03.

Conditions:
Intellectual disability-epilepsy-extrapyramidal syndrome (NEDHELS). Also called: Dyskinesia, seizures, and intellectual developmental disorder. Identifiers: Orphanet 468620, MedGen C4310683, MONDO:0014952, OMIM 617171.
Intellectual disability, autosomal dominant 24 (VSVS). Also called: VULTO-VAN SILFHOUT-DE VRIES SYNDROME. Identifiers: MedGen C4014414, MONDO:0014357, OMIM 615828.
Inborn genetic diseases. Identifiers: MedGen C0950123, MeSH D030342.

Allele frequency attached by ClinVar (database versions not stated): gnomAD 0.00001; gnomAD exomes 0.00001 and 0.00004.
gnomAD v4.1: 16 of 1,065,266 alleles (0.0015%); highest among the groups gnomAD compares: African/African-American, 0.0017%; 1 homozygote.

Submissions (3):

Labcorp Genetics (formerly Invitae), Labcorp
Classification: Uncertain significance. Last evaluated: 2025-06-03. Review status: criteria provided, single submitter. Criteria: Invitae Variant Classification Sherloc (09022015). Collection method: clinical testing. Allele origin: germline.
Comment: This sequence change replaces alanine, which is neutral and non-polar, with valine, which is neutral and non-polar, at codon 27 of the DEAF1 protein (p.Ala27Val). The frequency data for this variant in the population databases is considered unreliable, as metrics indicate poor data quality at this position in the gnomAD database. This variant has not been reported in the literature in individuals affected with DEAF1-related conditions. ClinVar contains an entry for this variant (Variation ID: 1467437). Invitae Evidence Modeling of protein sequence and biophysical properties (such as structural, functional, and spatial information, amino acid conservation, physicochemical variation, residue mobility, and thermodynamic stability) has been performed for this missense variant. However, the output from this modeling did not meet the statistical confidence thresholds required to predict the impact of this variant on DEAF1 protein function. In summary, the available evidence is currently insufficient to determine the role of this variant in disease. Therefore, it has been classified as a Variant of Uncertain Significance.

Ambry Genetics
Classification: Uncertain significance for Inborn genetic diseases. Last evaluated: 2024-05-02. Review status: criteria provided, single submitter. Criteria: Ambry Variant Classification Scheme 2023. Collection method: clinical testing. Allele origin: germline.

Fulgent Genetics
Classification: Uncertain significance for Intellectual disability, autosomal dominant 24; Intellectual disability-epilepsy-extrapyramidal syndrome. Last evaluated: 2021-07-06. Review status: criteria provided, single submitter. Criteria: ACMG Guidelines, 2015. Collection method: clinical testing. Allele origin: unknown.